The following is an entry in ClinVar:

NM_025074.7(FRAS1):c.11028A>G (p.Leu3676=)

Genes: FRAS1 (Fraser extracellular matrix complex subunit 1; plus strand), LOC126807089 (CDK7 strongly-dependent group 2 enhancer GRCh37_chr4:79455131-79456330; plus strand). Cytogenetic location: 4q21.21.
Variant type: single nucleotide variant.
Coding change: c.11028A>G on transcript NM_025074.7 (MANE Select); coding-DNA position 11028, A replaced by G.
Protein change: p.Leu3676=; no amino-acid change (leucine 3676 retained).
Molecular consequence: synonymous variant.
Genome position (GRCh38, 1-based): chr4:78,534,551, A>G. VCF-style: chr4-78534551-A-G. GRCh37 (hg19) VCF-style: chr4-79455705-A-G.
Identifiers: ClinVar variation 777067 (VCV000777067.11), dbSNP rs367689804, ClinGen allele CA2979119.
Genomic context (GRCh38, chr4:78,534,551, plus strand): 5'-GCCAGTTGTGTATTCACTTAACACTGAATTTCAGCTCTGCAATAATGAGAAGGTGTTCCT[A>G]ATGGATCCCAATACATCTGATATGTCACTAGCAGAAATGGATTACAAAGGAGCCTTTTCA-3'
Protein context (NP_079350.5, residues 3666-3686): FQLCNNEKVF[Leu3676=]MDPNTSDMSL

ClinVar aggregate classification (germline): Likely benign. Review status: criteria provided, single submitter (1 of 4 stars). 2 submissions from 2 submitters: Likely benign (1). 1 of the submissions does not count toward it. Last evaluated 2026-01-26.

Conditions:
FRAS1-related disorder. Also called: FRAS1-related condition.

Allele frequency attached by ClinVar (database versions not stated): ExAC 0.00012; 1000 Genomes Project 30x 0.00016; gnomAD 0.00016 and 0.00018; ESP Exome Variant Server 0.00017; gnomAD exomes 0.00019 and 0.00009; 1000 Genomes Project 0.00020; TOPMed 0.00020.
gnomAD v4.1: 170 of 1,613,458 alleles (0.011%); highest among the groups gnomAD compares: African/African-American, 0.008%; 1 homozygote.

Submissions (2):

Labcorp Genetics (formerly Invitae), Labcorp
Classification: Likely benign. Last evaluated: 2026-01-26. Review status: criteria provided, single submitter. Criteria: Invitae Variant Classification Sherloc (09022015). Collection method: clinical testing. Allele origin: germline.

PreventionGenetics, part of Exact Sciences
Classification: Likely benign for FRAS1-related condition. Last evaluated: 2020-05-18. Review status: no assertion criteria provided. Collection method: clinical testing. Allele origin: germline. Not counted in ClinVar's aggregate classification.
Comment: This variant is classified as likely benign based on ACMG/AMP sequence variant interpretation guidelines (Richards et al. 2015 PMID: 25741868, with internal and published modifications).